The following is an entry in ClinVar:

NM_000660.7(TGFB1):c.295C>T (p.Pro99Ser)

Genes: TGFB1 (transforming growth factor beta 1; minus strand), LOC130064510 (ATAC-STARR-seq lymphoblastoid silent region 10661; plus strand). Cytogenetic location: 19q13.2.
Variant type: single nucleotide variant.
Coding change: c.295C>T on transcript NM_000660.7 (MANE Select); coding-DNA position 295, C replaced by T.
Protein change: p.Pro99Ser; replaces proline 99 with serine.
Molecular consequence: missense variant.
Genome position (GRCh38, 1-based): chr19:41,352,750, G>A on the plus strand (C>T on the coding strand, the complement: TGFB1 is on the minus strand). VCF-style: chr19-41352750-G-A. GRCh37 (hg19) VCF-style: chr19-41858655-G-A.
Other names: short protein forms P99S.
Identifiers: ClinVar variation 2077523 (VCV002077523.4), dbSNP rs753186435, ClinGen allele CA406005040.

ClinVar aggregate classification (germline): Uncertain significance (1 of 4 stars; one submission).

gnomAD v4.1: 1 of 1,613,398 alleles (0.000062%); highest among the groups gnomAD compares: Non-Finnish European, 0.000085%; no homozygotes.

Submission:

Labcorp Genetics (formerly Invitae), Labcorp
Classification: Uncertain significance. Last evaluated: 2023-12-11. Review status: criteria provided, single submitter. Criteria: Invitae Variant Classification Sherloc (09022015). Collection method: clinical testing. Allele origin: germline.
Comment: This sequence change replaces proline, which is neutral and non-polar, with serine, which is neutral and polar, at codon 99 of the TGFB1 protein (p.Pro99Ser). The frequency data for this variant in the population databases is considered unreliable, as metrics indicate poor data quality at this position in the gnomAD database. This variant has not been reported in the literature in individuals affected with TGFB1-related conditions. ClinVar contains an entry for this variant (Variation ID: 2077523). Advanced modeling of protein sequence and biophysical properties (such as structural, functional, and spatial information, amino acid conservation, physicochemical variation, residue mobility, and thermodynamic stability) performed at Invitae indicates that this missense variant is not expected to disrupt TGFB1 protein function with a negative predictive value of 80%. In summary, the available evidence is currently insufficient to determine the role of this variant in disease. Therefore, it has been classified as a Variant of Uncertain Significance.